The following is an entry in ClinVar:

NM_014425.5(INVS):c.1566_1567AG[4] (p.Tyr525fs)

Gene: INVS (inversin; plus strand). Cytogenetic location: 9q31.1.
Variant type: Microsatellite.
Coding change: c.1566_1567AG[4] on transcript NM_014425.5 (MANE Select).
Protein change: p.Tyr525fs; shifts the reading frame from tyrosine 525.
Molecular consequence: frameshift variant. On other transcripts: non-coding transcript variant (1).
Genome position: GRCh38 VCF-style: chr9-100264922-A-AAG. GRCh37 (hg19) VCF-style: chr9-103027204-A-AAG.
Other names: c.1278_1279AG[4], p.Tyr429fs (NM_001318381.2); c.588_589AG[4], p.Tyr199fs (NM_001318382.2); short protein forms Y199fs, Y429fs, Y525fs.
Identifiers: ClinVar variation 2020604 (VCV002020604.4), dbSNP rs2490036732, ClinGen allele CA2580616270.

ClinVar aggregate classification (germline): Pathogenic (1 of 4 stars; one submission).

Conditions:
Nephronophthisis. Also called: Juvenile Nephronophthisis. Identifiers: Orphanet 655, MedGen C0687120, MONDO:0019005, HP:0000090.

Submission:

Labcorp Genetics (formerly Invitae), Labcorp
Classification: Pathogenic for Nephronophthisis. Last evaluated: 2022-07-30. Review status: criteria provided, single submitter. Criteria: Invitae Variant Classification Sherloc (09022015). Collection method: clinical testing. Allele origin: germline.
Comment: For these reasons, this variant has been classified as Pathogenic. This variant has not been reported in the literature in individuals affected with INVS-related conditions. This variant is not present in population databases (gnomAD no frequency). This sequence change creates a premature translational stop signal (p.Tyr525Aspfs*16) in the INVS gene. It is expected to result in an absent or disrupted protein product. Loss-of-function variants in INVS are known to be pathogenic (PMID: 12872123).

Literature cited by the submitters: PubMed 12872123.